The following is an entry in ClinVar:

ClinVar aggregate classification (germline): Likely pathogenic (1 of 4 stars; one submission).

Conditions:
Arterial calcification, generalized, of infancy, 1 (GACI1). Also called: Idiopathic Infantile Arterial Calcification. Identifiers: Orphanet 51608, MedGen C4551985, MONDO:0008817, OMIM 208000.

gnomAD v4.1: 1 of 1,581,080 alleles (0.000063%); highest among the groups gnomAD compares: East Asian, 0.0022%; no homozygotes.

Submission:

Juno Genomics, Hangzhou Juno Genomics, Inc
Classification: Likely pathogenic for Arterial calcification, generalized, of infancy, 1. Review status: criteria provided, single submitter. Criteria: ACMG Guidelines, 2015. Collection method: clinical testing. Allele origin: germline.
Comment: Absent from controls (or at extremely low frequency if recessive) in Genome Aggregation Database.;Multiple lines of computational evidence support a deleterious effect on the gene or gene product.;For recessive disorders, detected in trans with a pathogenic variant.;Patient's phenotype or family history is highly specific for a disease with a single genetic etiology.

NM_006208.3(ENPP1):c.1436C>T (p.Ser479Phe)

Gene: ENPP1 (ectonucleotide pyrophosphatase/phosphodiesterase 1; plus strand). Cytogenetic location: 6q23.2.
Variant type: single nucleotide variant.
Coding change: c.1436C>T on transcript NM_006208.3 (MANE Select); coding-DNA position 1436, C replaced by T.
Protein change: p.Ser479Phe; replaces serine 479 with phenylalanine.
Molecular consequence: missense variant.
Genome position (GRCh38, 1-based): chr6:131,872,100, C>T. VCF-style: chr6-131872100-C-T. GRCh37 (hg19) VCF-style: chr6-132193240-C-T.
Other names: short protein forms S479F.
Identifiers: ClinVar variation 5006969 (VCV005006969.2).
Genomic context (GRCh38, chr6:131,872,100, plus strand): 5'-CTATTAATTCTTATGTTTGTTCCCCTCCAGTTAACTATGAAGGCATTGCCCGAAATCTTT[C>T]TGTGAGTATCTTTATTTTCCATTATCTAGTTATTTTTACTTTTGTATAATATATATTGAG-3'
Protein context (NP_006199.2, residues 469-489): FNYEGIARNL[Ser479Phe]CREPNQHFKP